The following is an entry in ClinVar:

ClinVar aggregate classification (germline): Uncertain significance. Review status: criteria provided, single submitter (1 of 4 stars). 2 submissions from 2 submitters: Uncertain significance (1). 1 of the submissions does not count toward it. Last evaluated 2021-08-31.

Conditions:
MHC class II deficiency. Also called: Bare lymphocyte syndrome 2; BLS, TYPE II. Identifiers: Orphanet 572, MedGen C5447452, MONDO:0008855.

Allele frequency attached by ClinVar (database versions not stated): gnomAD exomes 0.00002 and 0.00008; gnomAD 0.00004 and 0.00006; TOPMed 0.00009; ExAC 0.00010.

Submissions (2):

Labcorp Genetics (formerly Invitae), Labcorp
Classification: Uncertain significance for MHC class II deficiency. Last evaluated: 2021-08-31. Review status: criteria provided, single submitter. Criteria: Invitae Variant Classification Sherloc (09022015). Collection method: clinical testing. Allele origin: germline.
Comment: This sequence change replaces isoleucine with methionine at codon 728 of the CIITA protein (p.Ile728Met). The isoleucine residue is moderately conserved and there is a small physicochemical difference between isoleucine and methionine. This variant is present in population databases (rs746167072, ExAC 0.1%). This variant has not been reported in the literature in individuals affected with CIITA-related conditions. Algorithms developed to predict the effect of missense changes on protein structure and function (SIFT, PolyPhen-2, Align-GVGD) all suggest that this variant is likely to be tolerated. In summary, the available evidence is currently insufficient to determine the role of this variant in disease. Therefore, it has been classified as a Variant of Uncertain Significance.

Natera, Inc.
Classification: Uncertain significance for Bare lymphocyte syndrome type II. Last evaluated: 2020-02-24. Review status: no assertion criteria provided. Collection method: clinical testing. Allele origin: germline. Not counted in ClinVar's aggregate classification.

NM_000246.4(CIITA):c.2184C>G (p.Ile728Met)

Gene: CIITA (class II major histocompatibility complex transactivator; plus strand). Cytogenetic location: 16p13.13.
Variant type: single nucleotide variant.
Coding change: c.2184C>G on transcript NM_000246.4 (MANE Select); coding-DNA position 2184, C replaced by G.
Protein change: p.Ile728Met; replaces isoleucine 728 with methionine.
Molecular consequence: missense variant. On other transcripts: intron variant (1).
Genome position (GRCh38, 1-based): chr16:10,907,676, C>G. VCF-style: chr16-10907676-C-G. GRCh37 (hg19) VCF-style: chr16-11001533-C-G.
Other names: c.2187C>G, p.Ile729Met (NM_001286402.1, NM_001379332.1); c.2040C>G, p.Ile680Met (NM_001379330.1); c.2037C>G, p.Ile679Met (NM_001379331.1); c.2184C>G, p.Ile728Met (NM_001379333.1); c.2115C>G, p.Ile705Met (NM_001379334.1); c.860-1307C>G (NM_001286403.2); short protein forms I729M, I728M, I679M, I680M, I705M.
Identifiers: ClinVar variation 640628 (VCV000640628.7), dbSNP rs746167072, ClinGen allele CA7900316.